The following is an entry in ClinVar:

ClinVar aggregate classification (germline): Uncertain significance (1 of 4 stars; one submission).

Allele frequency attached by ClinVar (database versions not stated): TOPMed 0.00002; gnomAD 0.00003 and 0.00004.
gnomAD v4.1: 7 of 1,535,882 alleles (0.00046%); highest among the groups gnomAD compares: African/African-American, 0.0082%; no homozygotes.

Submission:

Labcorp Genetics (formerly Invitae), Labcorp
Classification: Uncertain significance. Last evaluated: 2022-06-22. Review status: criteria provided, single submitter. Criteria: Invitae Variant Classification Sherloc (09022015). Collection method: clinical testing. Allele origin: germline.
Comment: Algorithms developed to predict the effect of missense changes on protein structure and function are either unavailable or do not agree on the potential impact of this missense change (SIFT: "Deleterious"; PolyPhen-2: "Not Available"; Align-GVGD: "Class C0"). ClinVar contains an entry for this variant (Variation ID: 851279). This variant has not been reported in the literature in individuals affected with PDZD7-related conditions. This variant is present in population databases (no rsID available, gnomAD 0.01%). This sequence change replaces glycine, which is neutral and non-polar, with arginine, which is basic and polar, at codon 896 of the PDZD7 protein (p.Gly896Arg). In summary, the available evidence is currently insufficient to determine the role of this variant in disease. Therefore, it has been classified as a Variant of Uncertain Significance.

NM_001195263.2(PDZD7):c.2686G>A (p.Gly896Arg)

Gene: PDZD7 (PDZ domain containing 7; minus strand). Cytogenetic location: 10q24.31.
Variant type: single nucleotide variant.
Coding change: c.2686G>A on transcript NM_001195263.2 (MANE Select); coding-DNA position 2686, G replaced by A.
Protein change: p.Gly896Arg; replaces glycine 896 with arginine.
Molecular consequence: missense variant.
Genome position (GRCh38, 1-based): chr10:101,009,282, C>T on the plus strand (G>A on the coding strand, the complement: PDZD7 is on the minus strand). VCF-style: chr10-101009282-C-T. GRCh37 (hg19) VCF-style: chr10-102769039-C-T.
Other names: short protein forms G896R.
Identifiers: ClinVar variation 851279 (VCV000851279.11), dbSNP rs890687418, ClinGen allele CA212977663.